The following is an entry in ClinVar:

ClinVar aggregate classification (germline): Pathogenic (1 of 4 stars; one submission).

Conditions:
Pontocerebellar hypoplasia type 1A (PCH1A). Also called: PONTOCEREBELLAR HYPOPLASIA WITH ANTERIOR HORN CELL DISEASE; PONTOCEREBELLAR HYPOPLASIA WITH INFANTILE SPINAL MUSCULAR ATROPHY. Identifiers: Orphanet 2254, Orphanet 88616, MedGen C1843504, MONDO:0011866, OMIM 607596.

Allele frequency attached by ClinVar (database versions not stated): gnomAD exomes below 0.00001; TOPMed below 0.00001; ExAC 0.00001; gnomAD 0.00001; ESP Exome Variant Server 0.00008.

Submission:

Labcorp Genetics (formerly Invitae), Labcorp
Classification: Pathogenic for Pontocerebellar hypoplasia type 1A. Last evaluated: 2022-12-26. Review status: criteria provided, single submitter. Criteria: Invitae Variant Classification Sherloc (09022015). Collection method: clinical testing. Allele origin: germline.
Comment: For these reasons, this variant has been classified as Pathogenic. ClinVar contains an entry for this variant (Variation ID: 847284). This variant has not been reported in the literature in individuals affected with VRK1-related conditions. This variant is present in population databases (rs752086581, gnomAD no frequency). This sequence change creates a premature translational stop signal (p.Val4*) in the VRK1 gene. It is expected to result in an absent or disrupted protein product. Loss-of-function variants in VRK1 are known to be pathogenic (PMID: 19646678, 24126608, 27281532).

Literature cited by the submitters: PubMed 19646678; PubMed 24126608; PubMed 27281532.

NM_003384.3(VRK1):c.9del (p.Arg3_Val4insTer)

Gene: VRK1 (VRK serine/threonine kinase 1; plus strand). Cytogenetic location: 14q32.2.
Variant type: Deletion.
Coding change: c.9del on transcript NM_003384.3 (MANE Select); coding-DNA position 9, one base deleted (T; older notation c.9delT).
Protein change: p.Arg3_Val4insTer.
Molecular consequence: frameshift variant.
Genome position (GRCh38, 1-based): chr14:96,833,480, T deleted. VCF-style (leftmost placement, unchanged base first): chr14-96833479-GT-G. GRCh37 (hg19) VCF-style: chr14-97299816-GT-G.
Identifiers: ClinVar variation 847284 (VCV000847284.9), dbSNP rs752086581, ClinGen allele CA7338835.